The following is an entry in ClinVar:

ClinVar aggregate classification (germline): Uncertain significance (1 of 4 stars; one submission).

Submission:

Labcorp Genetics (formerly Invitae), Labcorp
Classification: Uncertain significance. Last evaluated: 2025-05-09. Review status: criteria provided, single submitter. Criteria: Invitae Variant Classification Sherloc (09022015). Collection method: clinical testing. Allele origin: germline.
Comment: This sequence change replaces serine, which is neutral and polar, with glycine, which is neutral and non-polar, at codon 397 of the SRP54 protein (p.Ser397Gly). This variant is not present in population databases (gnomAD no frequency). This variant has not been reported in the literature in individuals affected with SRP54-related conditions. Invitae Evidence Modeling of protein sequence and biophysical properties (such as structural, functional, and spatial information, amino acid conservation, physicochemical variation, residue mobility, and thermodynamic stability) indicates that this missense variant is not expected to disrupt SRP54 protein function with a negative predictive value of 80%. In summary, the available evidence is currently insufficient to determine the role of this variant in disease. Therefore, it has been classified as a Variant of Uncertain Significance.

NM_003136.4(SRP54):c.1189A>G (p.Ser397Gly)

Gene: SRP54 (signal recognition particle 54; plus strand). Cytogenetic location: 14q13.2.
Variant type: single nucleotide variant.
Coding change: c.1189A>G on transcript NM_003136.4 (MANE Select); coding-DNA position 1189, A replaced by G.
Protein change: p.Ser397Gly; replaces serine 397 with glycine.
Molecular consequence: missense variant. On other transcripts: intron variant (1).
Genome position (GRCh38, 1-based): chr14:35,022,942, A>G. VCF-style: chr14-35022942-A-G. GRCh37 (hg19) VCF-style: chr14-35492148-A-G.
Other names: c.1042A>G, p.Ser348Gly (NM_001146282.2); c.1189A>G, p.Ser397Gly (NM_001440813.1); c.1156+3868A>G (NM_001411017.1); short protein forms S397G, S348G.
Identifiers: ClinVar variation 4743982 (VCV004743982.1).